The following is an entry in ClinVar:

NM_020184.4(CNNM4):c.1234G>T (p.Glu412Ter)

Gene: CNNM4 (cyclin and CBS domain divalent metal cation transport mediator 4; plus strand). Cytogenetic location: 2q11.2.
Variant type: single nucleotide variant.
Coding change: c.1234G>T on transcript NM_020184.4 (MANE Select); coding-DNA position 1234, G replaced by T.
Protein change: p.Glu412Ter; replaces glutamic acid 412 with a stop codon.
Molecular consequence: nonsense.
Genome position (GRCh38, 1-based): chr2:96,762,233, G>T. VCF-style: chr2-96762233-G-T. GRCh37 (hg19) VCF-style: chr2-97427970-G-T.
Other names: short protein forms E412*.
Identifiers: ClinVar variation 2025646 (VCV002025646.4), dbSNP rs1440538657, ClinGen allele CA347716987.

ClinVar aggregate classification (germline): Pathogenic (1 of 4 stars; one submission).

Submission:

Labcorp Genetics (formerly Invitae), Labcorp
Classification: Pathogenic. Last evaluated: 2022-08-21. Review status: criteria provided, single submitter. Criteria: Invitae Variant Classification Sherloc (09022015). Collection method: clinical testing. Allele origin: germline.
Comment: This variant is not present in population databases (gnomAD no frequency). This sequence change creates a premature translational stop signal (p.Glu412*) in the CNNM4 gene. It is expected to result in an absent or disrupted protein product. Loss-of-function variants in CNNM4 are known to be pathogenic (PMID: 19200525). This variant has not been reported in the literature in individuals affected with CNNM4-related conditions. For these reasons, this variant has been classified as Pathogenic.

Literature cited by the submitters: PubMed 19200525.